The following is an entry in ClinVar:

ClinVar aggregate classification (germline): Benign/Likely benign. Review status: criteria provided, multiple submitters, no conflicts (2 of 4 stars). 4 submissions from 3 submitters: Benign (2); Likely benign (2). Last evaluated 2018-01-12.

Conditions:
Hyperimmunoglobulin D with periodic fever (HIDS). Also called: HYPERIMMUNOGLOBULINEMIA D AND PERIODIC FEVER SYNDROME; Hyperimmunoglobulinemia D; Hyperimmunoglobulinemia D with periodic fever. Identifiers: Orphanet 343, MedGen C0398691, MONDO:0009849, OMIM 260920.
Mevalonic aciduria (MEVA). Identifiers: Orphanet 29, MedGen C1959626, MONDO:0012481, OMIM 610377.

Allele frequency attached by ClinVar (database versions not stated): gnomAD 0.00207 and 0.00249; gnomAD exomes 0.00291; TOPMed 0.00301; 1000 Genomes Project 30x 0.00906; 1000 Genomes Project 0.00919.

Submissions (4):

Illumina Laboratory Services, Illumina
Classification: Benign for Hyperimmunoglobulin D with periodic fever. Last evaluated: 2018-01-12. Review status: criteria provided, single submitter. Criteria: ICSL Variant Classification Criteria 13 December 2019. Collection method: clinical testing. Allele origin: germline.
Comment: This variant was observed in the ICSL laboratory as part of a predisposition screen in an ostensibly healthy population. It had not been previously curated by ICSL or reported in the Human Gene Mutation Database (HGMD: prior to June 1st, 2018), and was therefore a candidate for classification through an automated scoring system. Utilizing variant allele frequency, disease prevalence and penetrance estimates, and inheritance mode, an automated score was calculated to assess if this variant is too frequent to cause the disease. Based on the score and internal cut-off values, a variant classified as benign is not then subjected to further curation. The score for this variant resulted in a classification of benign for this disease.

Illumina Laboratory Services, Illumina
Classification: Benign for Mevalonic aciduria. Last evaluated: 2018-01-12. Review status: criteria provided, single submitter. Criteria: ICSL Variant Classification Criteria 13 December 2019. Collection method: clinical testing. Allele origin: germline.
Comment: the same text as in the submission from Illumina Laboratory Services, Illumina above.

GeneDx
Classification: Likely benign. Last evaluated: 2016-10-14. Review status: criteria provided, single submitter. Criteria: GeneDx Variant Classification (06012015). Collection method: clinical testing. Allele origin: germline. Affected: yes.
Comment: This variant is considered likely benign or benign based on one or more of the following criteria: it is a conservative change, it occurs at a poorly conserved position in the protein, it is predicted to be benign by multiple in silico algorithms, and/or has population frequency not consistent with disease.

Breakthrough Genomics
Classification: Likely benign. Review status: criteria provided, single submitter. Criteria: ACMG Guidelines, 2015. Collection method: not provided. Allele origin: germline. Inheritance: Autosomal recessive inheritance. Affected: yes.

NM_000431.4(MVK):c.-15+11G>A

Gene: MVK (mevalonate kinase; plus strand). Cytogenetic location: 12q24.11.
Variant type: single nucleotide variant.
Coding change: c.-15+11G>A on transcript NM_000431.4 (MANE Select); 11 bases into the intron after 15 bases upstream of the start codon, G replaced by A.
Molecular consequence: intron variant.
Genome position (GRCh38, 1-based): chr12:109,573,884, G>A. VCF-style: chr12-109573884-G-A. GRCh37 (hg19) VCF-style: chr12-110011689-G-A.
Other names: c.-15+11G>A (LRG_156t1, NM_001301182.2); c.-6+11G>A (NM_001114185.3).
Identifiers: ClinVar variation 307090 (VCV000307090.6), dbSNP rs192335177, ClinGen allele CA10640101.